The following is an entry in ClinVar:

ClinVar aggregate classification (germline): Pathogenic. Review status: criteria provided, single submitter (1 of 4 stars). 2 submissions from 1 submitter: Pathogenic (2). Last evaluated 2019-07-02.

Conditions:
Melnick-Fraser syndrome (BOR). Also called: Branchiootorenal syndrome; Branchiootorenal Syndrome (BORS); Branchio-oto-renal syndrome. Identifiers: Orphanet 107, MedGen C0265234, MONDO:0007029.
Branchiootorenal syndrome 1. Also called: Branchio-Oto-Renal Syndrome 1. Identifiers: Orphanet 107, MedGen C4551702, MONDO:0007236, OMIM 113650.

Submissions (2):

Labcorp Genetics (formerly Invitae), Labcorp
Classification: Pathogenic for Melnick-Fraser syndrome. Last evaluated: 2019-07-02. Review status: criteria provided, single submitter. Criteria: Invitae Variant Classification Sherloc (09022015). Collection method: clinical testing. Allele origin: germline.
Comment: This variant is an out-of-frame deletion of the genomic region encompassing exons 10-11 of the EYA1 gene. This is expected to create a premature translational stop signal and result in an absent or disrupted protein product. This variant has not been reported in the literature in individuals with EYA1-related conditions. Loss-of-function variants in EYA1 are known to be pathogenic (PMID: 18220287, 10464653). For these reasons, this variant has been classified as Pathogenic.

Labcorp Genetics (formerly Invitae), Labcorp
Classification: Pathogenic for Melnick-Fraser syndrome. Last evaluated: 2019-06-28. Review status: criteria provided, single submitter. Criteria: Invitae Variant Classification Sherloc (09022015). Collection method: clinical testing. Allele origin: germline.
Comment: For these reasons, this variant has been classified as Pathogenic. Loss-of-function variants in EYA1 are known to be pathogenic (PMID: 18220287, 10464653). This variant has not been reported in the literature in individuals with EYA1-related conditions. This variant is an out-of-frame deletion of the genomic region encompassing exons 10-11 of the EYA1 gene. This is expected to create a premature translational stop signal and result in an absent or disrupted protein product.

Literature cited by the submitters: PubMed 18220287; PubMed 10464653.

NC_000008.11:g.(?_71269720)_(71271917_?)del

Gene: EYA1 (EYA transcriptional coactivator and phosphatase 1; minus strand). Cytogenetic location: 8q13.3.
Variant type: Deletion.
Identifiers: ClinVar variation 832783 (VCV000832783.6).